The following is an entry in ClinVar:

NM_001042492.3(NF1):c.6061G>T (p.Gly2021Cys)

Gene: NF1 (neurofibromin 1; plus strand). Cytogenetic location: 17q11.2.
Variant type: single nucleotide variant.
Coding change: c.6061G>T on transcript NM_001042492.3 (MANE Select); coding-DNA position 6061, G replaced by T.
Protein change: p.Gly2021Cys; replaces glycine 2021 with cysteine.
Molecular consequence: missense variant.
Genome position (GRCh38, 1-based): chr17:31,336,387, G>T. VCF-style: chr17-31336387-G-T. GRCh37 (hg19) VCF-style: chr17-29663405-G-T.
Other names: c.5998G>T, p.Gly2000Cys (NM_000267.4); short protein forms G2021C, G2000C.
Identifiers: ClinVar variation 2118666 (VCV002118666.4), dbSNP rs2151553314, ClinGen allele CA399011160.

ClinVar aggregate classification (germline): Uncertain significance (1 of 4 stars; one submission).

Conditions:
Neurofibromatosis, type 1 (NF1). Also called: NEUROFIBROMATOSIS, TYPE I, SOMATIC; Neurofibromatosis, type I; Peripheral type neurofibromatosis; VON RECKLINGHAUSEN DISEASE. Identifiers: Orphanet 636, MedGen C0027831, MONDO:0018975, OMIM 162200. Disease mechanism: loss of function.

Submission:

Labcorp Genetics (formerly Invitae), Labcorp
Classification: Uncertain significance for Neurofibromatosis, type 1. Last evaluated: 2022-04-29. Review status: criteria provided, single submitter. Criteria: Invitae Variant Classification Sherloc (09022015). Collection method: clinical testing. Allele origin: germline.
Comment: This sequence change replaces glycine, which is neutral and non-polar, with cysteine, which is neutral and slightly polar, at codon 2000 of the NF1 protein (p.Gly2000Cys). This variant is not present in population databases (gnomAD no frequency). This variant has not been reported in the literature in individuals affected with NF1-related conditions. Advanced modeling of protein sequence and biophysical properties (such as structural, functional, and spatial information, amino acid conservation, physicochemical variation, residue mobility, and thermodynamic stability) performed at Invitae indicates that this missense variant is expected to disrupt NF1 protein function. In summary, the available evidence is currently insufficient to determine the role of this variant in disease. Therefore, it has been classified as a Variant of Uncertain Significance.